The following is an entry in ClinVar:

ClinVar aggregate classification (germline): Pathogenic. Review status: reviewed by expert panel (3 of 4 stars). 8 submissions from 8 submitters: Pathogenic (1). 7 of the submissions do not count toward it. Last evaluated 2024-12-05.

Conditions:
Inborn genetic diseases. Identifiers: MedGen C0950123, MeSH D030342.
Hurler syndrome. Also called: MUCOPOLYSACCHARIDOSIS TYPE IH; Severe MPS I (Hurler Syndrome); Gargoylism, Hurler Syndrome. Identifiers: Orphanet 93473, MedGen C0086795, MONDO:0011758, OMIM 607014.
Mucopolysaccharidosis type 1. Also called: Mucopolysaccharidosis Type I; IDUA deficiency; MPS I. Identifiers: Orphanet 579, MedGen C0023786, MONDO:0001586.

Allele frequency attached by ClinVar (database versions not stated): TOPMed below 0.00001; gnomAD exomes 0.00001.

Submissions (8):

ClinGen Lysosomal Storage Disorder Variant Curation Expert Panel
Classification: Pathogenic for Mucopolysaccharidosis type 1. Last evaluated: 2024-12-05. Review status: reviewed by expert panel. Criteria: ClinGen LSD ACMG Specifications IDUA V1.0.0. Collection method: curation. Allele origin: germline. Inheritance: Autosomal recessive inheritance.
Comment: The NM_000203.5:c.876del (p.Asp292GlufsTer25) variant in IDUA is a frameshift variant predicted to cause a premature stop codon, leading to nonsense mediated decay in a gene in which loss-of-function is an established disease mechanism (PVS1). The variant has been reported in two individuals with clinical features consistent with MPS I, one of whom also had documented laboratory values showing deficiency leukocyte IDUA activity and elevated urine GAGs prior to initiation of treatment with enzyme replacement therapy (PMID: 35848209) (PP4). One of these individuals is compound heterozygous for the variant (labeled as 964del in the publication, using older numbering) and a variant in IDUA that has been classified as pathogenic by the ClinGen Lysosomal Diseases VCEP, c.1205G>A (p.Trp402Ter) (ClinVar Variation ID: 11908); the phase was not confirmed (PMID: 7951228, 0.5 points). Another patient is compound heterozygous for the variant and c.1499A>G (p.Gln500Arg) (PMID: 35848209). The allelic data from this patient will be used in the classification of p.Gln500Arg and is not included here to avoid circular logic. Total 0.5 points (PM3_Supporting). The highest population minor allele frequency in gnomAD v4.1.0 is 0.00001280 (15/1172250 alleles) in the European non-Finnish population, which is lower than the ClinGen Lysosomal Diseases VCEP’s threshold for PM2_Supporting (<0.00025), meeting this criterion (PM2_Supporting). There is a ClinVar entry for this variant (Variation ID: 456720). In summary, this variant meets the criteria to be classified as pathogenic for mucopolysaccharidosis type I. IDUA-specific ACMG/AMP criteria met, as specified by the ClinGen Lysosomal Diseases Variant Curation Expert Panel (Specifications Version 1.0.0.): PVS1, PP4, PM2_Supporting, PM3_Supporting. (Classification approved by the ClinGen Lysosomal Diseases Variant Curation Expert Panel on December 5, 2024)

Revvity Omics, Revvity
Classification: Pathogenic. Last evaluated: 2024-06-10. Review status: criteria provided, single submitter. Criteria: ACMG Guidelines, 2015. Collection method: clinical testing. Allele origin: germline. Not counted in ClinVar's aggregate classification.

Labcorp Genetics (formerly Invitae), Labcorp
Classification: Pathogenic for Mucopolysaccharidosis type 1. Last evaluated: 2024-02-06. Review status: criteria provided, single submitter. Criteria: Invitae Variant Classification Sherloc (09022015). Collection method: clinical testing. Allele origin: germline. Not counted in ClinVar's aggregate classification.
Comment: This sequence change creates a premature translational stop signal (p.Asp292Glufs*25) in the IDUA gene. It is expected to result in an absent or disrupted protein product. Loss-of-function variants in IDUA are known to be pathogenic (PMID: 11735025, 21480867). This variant is not present in population databases (gnomAD no frequency). This premature translational stop signal has been observed in individual(s) with MPS I (PMID: 7951228; Invitae). In at least one individual the data is consistent with being in trans (on the opposite chromosome) from a pathogenic variant. ClinVar contains an entry for this variant (Variation ID: 456720). For these reasons, this variant has been classified as Pathogenic.

GeneDx
Classification: Pathogenic. Last evaluated: 2021-12-13. Review status: criteria provided, single submitter. Criteria: GeneDx Variant Classification Process June 2021. Collection method: clinical testing. Allele origin: germline. Affected: yes. Not counted in ClinVar's aggregate classification.
Comment: Frameshift variant predicted to result in protein truncation or nonsense mediated decay in a gene for which loss-of-function is a known mechanism of disease; Not observed at significant frequency in large population cohorts (Lek et al., 2016); This variant is associated with the following publications: (PMID: 8680403, 7951228)

Johns Hopkins Genomics, Johns Hopkins University
Classification: Likely pathogenic for Hurler syndrome. Last evaluated: 2019-09-06. Review status: criteria provided, single submitter. Criteria: ACMG Guidelines, 2015. Collection method: clinical testing. Allele origin: germline. Not counted in ClinVar's aggregate classification.
Comment: This IDUA variant is absent from large population datasets. A single submitter in ClinVar classifies this variant as pathogenic. This frameshift variant results in a premature stop codon in exon 7 likely leading to nonsense-mediated decay and lack of protein production. This variant is considered likely pathogenic.

Ambry Genetics
Classification: Pathogenic for Inborn genetic diseases. Last evaluated: 2019-07-20. Review status: criteria provided, single submitter. Criteria: Ambry exome assertion method (8-5-2015). Collection method: clinical testing. Allele origin: germline. Affected: yes. Observed: 1 variant allele. Not counted in ClinVar's aggregate classification.

Women's Health and Genetics/Laboratory Corporation of America, LabCorp
Classification: Pathogenic for Mucopolysaccharidosis type 1. Last evaluated: 2019-01-02. Review status: criteria provided, single submitter. Criteria: LabCorp Variant Classification Summary - May 2015. Collection method: clinical testing. Allele origin: germline. Not counted in ClinVar's aggregate classification.
Comment: Variant summary: IDUA c.876delC (p.Asp292GlufsX25) results in a premature termination codon, predicted to cause a truncation of the encoded protein or absence of the protein due to nonsense mediated decay, which are commonly known mechanisms for disease. Truncations downstream of this position have been classified as pathogenic by our laboratory (eg. c.1205G>A (p.Trp402X), c.1210G>T (p.Glu404X), and c.1799delC (p.Ser600X)). The variant was absent in 204226 control chromosomes (gnomAD). c.876delC has been reported in the literature in an individual affected with Mucopolysaccharidosis Type 1 (Bunge_1994). To our knowledge, no experimental evidence demonstrating an impact on protein function has been reported. A ClinVar submission from a clinical diagnostic laboratory (evaluation after 2014) cites the variant as pathogenic. Based on the evidence outlined above, the variant was classified as pathogenic.

Natera, Inc.
Classification: Pathogenic for Mucopolysaccharidosis type I. Last evaluated: 2020-09-16. Review status: no assertion criteria provided. Collection method: clinical testing. Allele origin: germline. Not counted in ClinVar's aggregate classification.

Literature cited by the submitters: PubMed 11735025 (cited by Labcorp Genetics (formerly Invitae), Labcorp); PubMed 21480867 (cited by Labcorp Genetics (formerly Invitae), Labcorp); PubMed 7951228 (cited by 3 submitters).

NM_000203.5(IDUA):c.876del (p.Asp292fs)

Gene: IDUA (alpha-L-iduronidase; plus strand). Cytogenetic location: 4p16.3.
Variant type: Deletion.
Coding change: c.876del on transcript NM_000203.5 (MANE Select); coding-DNA position 876, one base deleted (C; older notation c.876delC).
Protein change: p.Asp292fs; shifts the reading frame from aspartic acid 292.
Molecular consequence: frameshift variant. On other transcripts: non-coding transcript variant (1).
Genome position (GRCh38, 1-based): chr4:1,002,065, C deleted. VCF-style (leftmost placement, unchanged base first): chr4-1002064-AC-A. GRCh37 (hg19) VCF-style: chr4-995852-AC-A.
Other names: NM_000203.5(IDUA):c.876del; p.Asp292fs; c.480del, p.Asp160fs (NM_001363576.1); c.876del (NM_000203.4); c.876delC (NM_000203.5, NM_000203.3); short protein forms D160fs, D292fs.
Identifiers: ClinVar variation 456720 (VCV000456720.22), dbSNP rs1553917209, ClinGen allele CA658657370.